The following is an entry in ClinVar:

NM_152594.3(SPRED1):c.263C>T (p.Thr88Ile)

Gene: SPRED1 (sprouty related EVH1 domain containing 1; plus strand). Cytogenetic location: 15q14.
Variant type: single nucleotide variant.
Coding change: c.263C>T on transcript NM_152594.3 (MANE Select); coding-DNA position 263, C replaced by T.
Protein change: p.Thr88Ile; replaces threonine 88 with isoleucine.
Molecular consequence: missense variant.
Genome position (GRCh38, 1-based): chr15:38,322,296, C>T. VCF-style: chr15-38322296-C-T. GRCh37 (hg19) VCF-style: chr15-38614497-C-T.
Other names: short protein forms T88I.
Identifiers: ClinVar variation 4174021 (VCV004174021.1).

ClinVar aggregate classification (germline): Uncertain significance (1 of 4 stars; one submission).

Conditions:
Cardiovascular phenotype. Identifiers: MedGen CN230736.

Submission:

Ambry Genetics
Classification: Uncertain significance for Cardiovascular phenotype. Last evaluated: 2025-06-15. Review status: criteria provided, single submitter. Criteria: Ambry Variant Classification Scheme 2023. Collection method: clinical testing. Allele origin: germline.
Comment: The p.T88I variant (also known as c.263C>T), located in coding exon 3 of the SPRED1 gene, results from a C to T substitution at nucleotide position 263. The threonine at codon 88 is replaced by isoleucine, an amino acid with similar properties. This amino acid position is conserved. In addition, the in silico prediction for this alteration is inconclusive. Based on the available evidence, the clinical significance of this variant remains unclear.